The following is an entry in ClinVar:

NM_000350.3(ABCA4):c.6342G>A (p.Val2114=)

Gene: ABCA4 (ATP binding cassette subfamily A member 4; minus strand). Cytogenetic location: 1p22.1.
Variant type: single nucleotide variant.
Coding change: c.6342G>A on transcript NM_000350.3 (MANE Select); coding-DNA position 6342, G replaced by A.
Protein change: p.Val2114=; no amino-acid change (valine 2114 retained).
Molecular consequence: synonymous variant.
Genome position (GRCh38, 1-based): chr1:94,001,046, C>T on the plus strand (G>A on the coding strand, the complement: ABCA4 is on the minus strand). VCF-style: chr1-94001046-C-T. GRCh37 (hg19) VCF-style: chr1-94466602-C-T.
Other names: p.%3D); c.6120G>A, p.Val2040= (NM_001425324.1).
Identifiers: ClinVar variation 99452 (VCV000099452.20), dbSNP rs61748520, ClinGen allele CA227396.
Genomic context (GRCh38, chr1:94,001,046, plus strand): 5'-CCTGGGAATCTCTTGCCTGTGGGATGTGAGGACCACAGCCCTCCCTTCTCTGATGATGCT[C>T]ACGATGACGTTCCACAGCATGCGGCGTGCCTGGGGGTCCATCCCTGTGGTGGGCTCATCC-3'
Protein context (NP_000341.2, residues 2104-2124): QARRMLWNVI[Val2114=]SIIREGRAVV

ClinVar aggregate classification (germline): Pathogenic/Likely pathogenic. Review status: criteria provided, multiple submitters, no conflicts (2 of 4 stars). 10 submissions from 10 submitters: Pathogenic (5); Likely pathogenic (3). 2 of the submissions do not count toward it. Last evaluated 2026-06-01.

Conditions:
ABCA4-related disorder. Also called: ABCA4-related condition; ABCA4-related disorders. Identifiers: MedGen CN239167.
Cone-rod dystrophy 3 (CORD3). Identifiers: Orphanet 1872, MedGen C1858806, MONDO:0011395, OMIM 604116.
Age related macular degeneration 2. Also called: MACULAR DEGENERATION, SENILE; MACULOPATHY, AGE-RELATED, 2; MACULOPATHY, AGE-RELATED. Identifiers: MedGen C3495438, MONDO:0007932, OMIM 153800.
Retinitis pigmentosa 19 (RP19). Also called: ABCA4-Related Retinitis Pigmentosa. Identifiers: Orphanet 791, MedGen C1866422, MONDO:0011137, OMIM 601718.
Severe early-childhood-onset retinal dystrophy (STGD1). Also called: MACULAR DYSTROPHY WITH FLECKS, TYPE 1; STGD; Stargardt disease 1; Stargardt macular dystrophy; Juvenile onset macular degeneration. Identifiers: Orphanet 364055, Orphanet 827, MedGen C1855465, MeSH D000080362, MONDO:0009549, OMIM 248200.
Retinal disorder. Also called: Retinopathy; Retinopathies; Retinal Diseases; Retinal disorders. Identifiers: MedGen C0035309, MONDO:0005283, HP:0000488.

Allele frequency attached by ClinVar (database versions not stated): ExAC 0.00001; TOPMed 0.00002; gnomAD 0.00001.
gnomAD v4.1: 14 of 1,614,078 alleles (0.00087%); highest among the groups gnomAD compares: African/African-American, 0.0013%; no homozygotes.

Submissions (10):

PreventionGenetics, part of Exact Sciences
Classification: Likely pathogenic for ABCA4-related condition. Last evaluated: 2026-06-01. Review status: criteria provided, single submitter. Criteria: ACMG Guidelines, 2015. Collection method: clinical testing. Allele origin: germline.
Comment: The ABCA4 c.6342G>A variant is not predicted to result in an amino acid change (p.=). This variant is predicted to increase the strength of a cryptic donor splice site (SpliceAI, Jaganathan et al. 2019. PubMed ID: 30661751). Functional studies using sequencing of RNA transcripts have demonstrated that this variant causes alternate splicing (Braun et al. 2013. PubMed ID: 23918662). This variant has been reported along with a second known causative variant in individuals with retinal disease (Carss et al. 2016. PubMed ID: 28041643; Table S1, Lin et al. 2024. PubMed ID: 38219857). This variant was also described in a large cohort of individuals with retinal disease (Zernant et al. 2011. PubMed ID: 21911583). An analysis of the frequency of this variant in patients versus control population has categorized this variant as severe (Table S2A, Cornelis et al. 2022. PubMed ID: 35120629). This variant is present in 0.0040% of alleles in individuals of African descent in gnomAD. This variant is interpreted as likely pathogenic.

Genetics Laboratory, Great Ormond Street Hospital NHS Foundation Trust, North Thames Genomic Laboratory Hub
Classification: Pathogenic for Retinal disorders. Last evaluated: 2026-02-10. Review status: criteria provided, single submitter. Criteria: ACGS Best Practice Guidelines for Variant Classification in Rare Disease 2024 v1.2. Collection method: clinical testing. Allele origin: germline. Affected: yes.
Comment: PM2_moderate, PVS1_strong, PM3_strong

Labcorp Genetics (formerly Invitae), Labcorp
Classification: Pathogenic. Last evaluated: 2025-11-25. Review status: criteria provided, single submitter. Criteria: Invitae Variant Classification Sherloc (09022015). Collection method: clinical testing. Allele origin: germline.
Comment: This sequence change affects codon 2114 of the ABCA4 mRNA. It is a 'silent' change, meaning that it does not change the encoded amino acid sequence of the ABCA4 protein. This variant is present in population databases (rs61748520, gnomAD 0.004%). This variant has been observed in individual(s) with Stargardt disease (PMID: 23918662, 28041643). In at least one individual the data is consistent with being in trans (on the opposite chromosome) from a pathogenic variant. ClinVar contains an entry for this variant (Variation ID: 99452). Algorithms developed to predict the effect of sequence changes on RNA splicing suggest that this variant may disrupt the consensus splice site. For these reasons, this variant has been classified as Pathogenic.

GeneDx
Classification: Pathogenic. Last evaluated: 2024-07-24. Review status: criteria provided, single submitter. Criteria: GeneDx Variant Classification Process June 2021. Collection method: clinical testing. Allele origin: germline. Affected: yes.
Comment: RNA studies demonstrate a damaging effect: a "leaky" splice defect resulting in an out-of-frame transcript (PMID: 23918662); Identified in patients with ABCA4-related disorders in published literature (PMID: 28041643, 38219857); Not observed at significant frequency in large population cohorts (gnomAD); In silico analysis supports a deleterious effect on splicing; This variant is associated with the following publications: (PMID: 21911583, 23918662, 36284670, 35120629, 31964843, 32581362, 28041643, 38219857)

Blueprint Genetics
Classification: Pathogenic for ABCA4-related disorders. Last evaluated: 2024-06-19. Review status: criteria provided, single submitter. Criteria: ACMG Guidelines, 2015. Collection method: clinical testing. Allele origin: germline. Affected: yes. Observed: 5 variant alleles.

Fulgent Genetics
Classification: Likely pathogenic for Age related macular degeneration 2; Severe early-childhood-onset retinal dystrophy; Retinitis pigmentosa 19; Cone-rod dystrophy 3. Last evaluated: 2021-10-08. Review status: criteria provided, single submitter. Criteria: ACMG Guidelines, 2015. Collection method: clinical testing. Allele origin: unknown.

Broad Center for Mendelian Genomics, Broad Institute of MIT and Harvard
Classification: Likely pathogenic for Severe early-childhood-onset retinal dystrophy. Last evaluated: 2018-12-03. Review status: criteria provided, single submitter. Criteria: ACMG Guidelines, 2015. Collection method: research. Allele origin: germline. Inheritance: Autosomal recessive inheritance. Affected: yes.
Comment: The presence of this variant in combination with a likely pathogenic variant increases the likelihood that the c.6342G>A variant is pathogenic. This variant has been identified in 0.001804% (5/277140) of chromosomes and by the Genome Aggregation Database (gnomAD; dbSNP rs61748520). Although this variant has been seen in the general population, its frequency is low enough to be consistent with a recessive carrier frequency. Computational prediction tools and conservation analyses do not provide strong support for or against an impact to the protein. In vitro functional studies with keratinocytes from a patient with the variant in the heterozygous state provide some evidence that the c.6342G>A variant may impact protein function by creating a premature donor splice site, causing exon skipping of Exon 46 (PMID: 23918662). However, these types of assays may not accurately represent biological function. In summary, although additional studies are required to fully establish its clinical significance, the c.6342G>A variant is likely pathogenic. ACMG/AMP Criteria applied: PM2, PS3, PM3_Supporting (Richards 2015).

Eurofins Ntd Llc (ga)
Classification: Pathogenic. Last evaluated: 2016-08-29. Review status: criteria provided, single submitter. Criteria: EGL Classification Definitions 2015. Collection method: clinical testing. Allele origin: germline. Observed: 1 variant allele, 1 heterozygote.

NIHR Bioresource Rare Diseases, University of Cambridge
Classification: Likely pathogenic. Last evaluated: 2015-01-01. Review status: no assertion criteria provided. Collection method: research. Allele origin: unknown. Affected: yes. Observed: 1 variant allele. Not counted in ClinVar's aggregate classification.

Retina International
No classification provided. Review status: no classification provided. Collection method: not provided. Allele origin: not provided. Not counted in ClinVar's aggregate classification.

Literature cited by the submitters: PubMed 23918662 (cited by 4 submitters); PubMed 28041643 (cited by Labcorp Genetics (formerly Invitae), Labcorp and NIHR Bioresource Rare Diseases, University of Cambridge).